The following is an entry in ClinVar:

ClinVar aggregate classification (germline): Uncertain significance (1 of 4 stars; one submission).

Conditions:
Neuroblastoma, susceptibility to, 3. Also called: ALK-Related Neuroblastic Tumor Susceptibility. Identifiers: Orphanet 635, MedGen C2751681, MONDO:0013083, OMIM 613014.

Submission:

Labcorp Genetics (formerly Invitae), Labcorp
Classification: Uncertain significance for Neuroblastoma, susceptibility to, 3. Last evaluated: 2024-12-11. Review status: criteria provided, single submitter. Criteria: Invitae Variant Classification Sherloc (09022015). Collection method: clinical testing. Allele origin: germline.
Comment: This sequence change replaces threonine, which is neutral and polar, with serine, which is neutral and polar, at codon 1363 of the ALK protein (p.Thr1363Ser). This variant is not present in population databases (gnomAD no frequency). This variant has not been reported in the literature in individuals affected with ALK-related conditions. An algorithm developed to predict the effect of missense changes on protein structure and function (PolyPhen-2) suggests that this variant is likely to be disruptive. In summary, the available evidence is currently insufficient to determine the role of this variant in disease. Therefore, it has been classified as a Variant of Uncertain Significance.

NM_004304.5(ALK):c.4087A>T (p.Thr1363Ser)

Gene: ALK (ALK receptor tyrosine kinase; minus strand). Cytogenetic location: 2p23.2.
Variant type: single nucleotide variant.
Coding change: c.4087A>T on transcript NM_004304.5 (MANE Select); coding-DNA position 4087, A replaced by T.
Protein change: p.Thr1363Ser; replaces threonine 1363 with serine.
Molecular consequence: missense variant.
Genome position (GRCh38, 1-based): chr2:29,196,847, T>A on the plus strand (A>T on the coding strand, the complement: ALK is on the minus strand). VCF-style: chr2-29196847-T-A. GRCh37 (hg19) VCF-style: chr2-29419713-T-A.
Other names: c.883A>T, p.Thr295Ser (NM_001353765.2); short protein forms T1363S, T295S.
Identifiers: ClinVar variation 3727053 (VCV003727053.2).